The following is an entry in ClinVar:

ClinVar aggregate classification (germline): Likely benign (0 of 4 stars; one submission).

Conditions:
LAMB1-related disorder. Also called: LAMB1-related condition.

Allele frequency attached by ClinVar (database versions not stated): gnomAD exomes below 0.00001; TOPMed below 0.00001; gnomAD 0.00001.
gnomAD v4.1: 3 of 1,613,056 alleles (0.00019%); highest among the groups gnomAD compares: African/African-American, 0.004%; no homozygotes.

Submission:

PreventionGenetics, part of Exact Sciences
Classification: Likely benign for LAMB1-related condition. Last evaluated: 2020-10-12. Review status: no assertion criteria provided. Collection method: clinical testing. Allele origin: germline.
Comment: This variant is classified as likely benign based on ACMG/AMP sequence variant interpretation guidelines (Richards et al. 2015 PMID: 25741868, with internal and published modifications).

NM_002291.3(LAMB1):c.4128C>T (p.Arg1376=)

Gene: LAMB1 (laminin subunit beta 1; minus strand). Cytogenetic location: 7q31.1.
Variant type: single nucleotide variant.
Coding change: c.4128C>T on transcript NM_002291.3 (MANE Select); coding-DNA position 4128, C replaced by T.
Protein change: p.Arg1376=; no amino-acid change (arginine 1376 retained).
Molecular consequence: synonymous variant.
Genome position (GRCh38, 1-based): chr7:107,935,475, G>A on the plus strand (C>T on the coding strand, the complement: LAMB1 is on the minus strand). VCF-style: chr7-107935475-G-A. GRCh37 (hg19) VCF-style: chr7-107575920-G-A.
Identifiers: ClinVar variation 3032496 (VCV003032496.2), dbSNP rs2032825564, ClinGen allele CA457111993.